The following is an entry in ClinVar:

ClinVar aggregate classification (germline): Uncertain significance (1 of 4 stars; one submission).

Allele frequency attached by ClinVar (database versions not stated): ExAC 0.00001; gnomAD 0.00001 and 0.00002; gnomAD exomes 0.00001; TOPMed 0.00003.
gnomAD v4.1: 14 of 1,613,806 alleles (0.00087%); highest among the groups gnomAD compares: Middle Eastern, 0.016%; no homozygotes.

Submission:

Labcorp Genetics (formerly Invitae), Labcorp
Classification: Uncertain significance. Last evaluated: 2023-07-07. Review status: criteria provided, single submitter. Criteria: Invitae Variant Classification Sherloc (09022015). Collection method: clinical testing. Allele origin: germline.
Comment: This sequence change affects codon 625 of the TUBGCP6 mRNA. It is a 'silent' change, meaning that it does not change the encoded amino acid sequence of the TUBGCP6 protein. This variant is present in population databases (rs752656895, gnomAD 0.01%). This variant has not been reported in the literature in individuals affected with TUBGCP6-related conditions. ClinVar contains an entry for this variant (Variation ID: 1372468). Algorithms developed to predict the effect of sequence changes on RNA splicing suggest that this variant may create or strengthen a splice site. In summary, the available evidence is currently insufficient to determine the role of this variant in disease. Therefore, it has been classified as a Variant of Uncertain Significance.

NM_020461.4(TUBGCP6):c.1875G>A (p.Ser625=)

Gene: TUBGCP6 (tubulin gamma complex component 6; minus strand). Cytogenetic location: 22q13.33.
Variant type: single nucleotide variant.
Coding change: c.1875G>A on transcript NM_020461.4 (MANE Select); coding-DNA position 1875, G replaced by A.
Protein change: p.Ser625=; no amino-acid change (serine 625 retained).
Molecular consequence: synonymous variant.
Genome position (GRCh38, 1-based): chr22:50,225,902, C>T on the plus strand (G>A on the coding strand, the complement: TUBGCP6 is on the minus strand). VCF-style: chr22-50225902-C-T. GRCh37 (hg19) VCF-style: chr22-50664331-C-T.
Identifiers: ClinVar variation 1372468 (VCV001372468.5), dbSNP rs752656895, ClinGen allele CA10308466.
Genomic context (GRCh38, chr22:50,225,902, plus strand): 5'-CCCAACGTAGACGGCACAGTCCTTCTCAATCTCCTTCAACTCCTCAAGGGAGAAAATCAC[C>T]GAGATCCGGGGGACAGGGACGTCGGACCAACAGAGGTAATGCTGCCAAAGGGGATGCAAG-3'
Protein context (NP_065194.3, residues 615-635): CWSDVPVPRI[Ser625=]VIFSLEELKE